The following is an entry in ClinVar:

NM_001366521.1(ATP2B1):c.3367G>T (p.Ala1123Ser)

Gene: ATP2B1 (ATPase plasma membrane Ca2+ transporting 1; minus strand). Cytogenetic location: 12q21.33.
Variant type: single nucleotide variant.
Coding change: c.3367G>T on transcript NM_001366521.1 (MANE Select); coding-DNA position 3367, G replaced by T.
Protein change: p.Ala1123Ser; replaces alanine 1123 with serine.
Molecular consequence: missense variant. On other transcripts: 3 prime UTR variant (4).
Genome position (GRCh38, 1-based): chr12:89,591,280, C>A on the plus strand (G>T on the coding strand, the complement: ATP2B1 is on the minus strand). VCF-style: chr12-89591280-C-A. GRCh37 (hg19) VCF-style: chr12-89985057-C-A.
Other names: c.3521G>T, p.Cys1174Phe (NM_001001323.2, NM_001366523.1); c.3367G>T, p.Ala1123Ser (NM_001366520.1, NM_001366522.1, NM_001413046.1 and 2 more transcripts); c.3454G>T, p.Ala1152Ser (NM_001366524.1, NM_001366525.1); c.*3G>T (NM_001366526.1, NM_001366527.1, NM_001366529.1 and 1 more transcripts); c.3413G>T, p.Cys1138Phe (NM_001366528.1); c.2960G>T, p.Cys987Phe (NM_001366531.1, NM_001366532.1); c.3328G>T, p.Ala1110Ser (NM_001413048.1); c.3259G>T, p.Ala1087Ser (NM_001413049.1, NM_001413050.1); and 7 more; short protein forms A1038S, A1040S, A1042S, A1057S, A1076S, A1087S, A1110S, A1123S.
Identifiers: ClinVar variation 2444387 (VCV002444387.1), dbSNP rs2540637214, ClinGen allele CA385998189.

ClinVar aggregate classification (germline): Uncertain significance (1 of 4 stars; one submission).

Conditions:
Intellectual developmental disorder, autosomal dominant 66. Also called: MENTAL RETARDATION, AUTOSOMAL DOMINANT 66. Identifiers: MedGen C5677000, MONDO:0030891, OMIM 619910.

Submission:

3billion
Classification: Uncertain significance for Intellectual developmental disorder, autosomal dominant 66. Last evaluated: 2023-02-23. Review status: criteria provided, single submitter. Criteria: ACMG Guidelines, 2015. Collection method: clinical testing. Allele origin: unknown. Affected: yes.
Comment: The variant is not observed in the gnomAD v2.1.1 dataset. Missense changes are a common disease-causing mechanism. In silico tool predictions suggest damaging effect of the variant on gene or gene product (REVEL: 0.79; 3Cnet: 0.06). Therefore, this variant is classified as VUS according to the recommendation of ACMG/AMP guideline.